The following is an entry in ClinVar:

NM_004646.4(NPHS1):c.3668A>T (p.Asp1223Val)

Gene: NPHS1 (NPHS1 adhesion molecule, nephrin; minus strand). Cytogenetic location: 19q13.12.
Variant type: single nucleotide variant.
Coding change: c.3668A>T on transcript NM_004646.4 (MANE Select); coding-DNA position 3668, A replaced by T.
Protein change: p.Asp1223Val; replaces aspartic acid 1223 with valine.
Molecular consequence: missense variant.
Genome position (GRCh38, 1-based): chr19:35,826,572, T>A on the plus strand (A>T on the coding strand, the complement: NPHS1 is on the minus strand). VCF-style: chr19-35826572-T-A. GRCh37 (hg19) VCF-style: chr19-36317474-T-A.
Other names: short protein forms D1223V.
Identifiers: ClinVar variation 4122130 (VCV004122130.3).
Genomic context (GRCh38, chr19:35,826,572, plus strand): 5'-TCTTACACCAGATGTCCCCTCAGCTCGAAGGGCAGAGAATCGGGTTCCAGAGTGTCCAAG[T>A]CTCCGGCCACCTGGTCATAGATTCCTCTTGGATCCTGATATGTGTCTTCAGGCCAGTGGA-3'
Protein context (NP_004637.1, residues 1213-1233): PRGIYDQVAG[Asp1223Val]LDTLEPDSLP

ClinVar aggregate classification (germline): Uncertain significance. Review status: criteria provided, multiple submitters, no conflicts (2 of 4 stars). 3 submissions from 3 submitters: Uncertain significance (3). Last evaluated 2025-12-29.

Conditions:
Inborn genetic diseases. Identifiers: MedGen C0950123, MeSH D030342.

gnomAD v4.1: 4 of 1,613,966 alleles (0.00025%); highest among the groups gnomAD compares: Non-Finnish European, 0.00034%; no homozygotes.

Submissions (3):

Labcorp Genetics (formerly Invitae), Labcorp
Classification: Uncertain significance. Last evaluated: 2025-12-29. Review status: criteria provided, single submitter. Criteria: Invitae Variant Classification Sherloc (09022015). Collection method: clinical testing. Allele origin: germline.
Comment: This sequence change replaces aspartic acid, which is acidic and polar, with valine, which is neutral and non-polar, at codon 1223 of the NPHS1 protein (p.Asp1223Val). This variant is not present in population databases (gnomAD no frequency). This variant has not been reported in the literature in individuals affected with NPHS1-related conditions. ClinVar contains an entry for this variant (Variation ID: 4122130). Invitae Evidence Modeling of protein sequence and biophysical properties (such as structural, functional, and spatial information, amino acid conservation, physicochemical variation, residue mobility, and thermodynamic stability) has been performed for this missense variant. However, the output from this modeling did not meet the statistical confidence thresholds required to predict the impact of this variant on NPHS1 protein function. In summary, the available evidence is currently insufficient to determine the role of this variant in disease. Therefore, it has been classified as a Variant of Uncertain Significance.

Ambry Genetics
Classification: Uncertain significance for Inborn genetic diseases. Last evaluated: 2025-08-12. Review status: criteria provided, single submitter. Criteria: Ambry Variant Classification Scheme 2023. Collection method: clinical testing. Allele origin: germline.

Blueprint Genetics
Classification: Uncertain significance. Last evaluated: 2023-12-29. Review status: criteria provided, single submitter. Criteria: ACMG Guidelines, 2015. Collection method: clinical testing. Allele origin: germline.